The following is an entry in ClinVar:

NM_000535.7(PMS2):c.1990C>A (p.Leu664Ile)

Gene: PMS2 (PMS1 homolog 2, mismatch repair system component; minus strand). Cytogenetic location: 7p22.1.
Variant type: single nucleotide variant.
Coding change: c.1990C>A on transcript NM_000535.7 (MANE Select); coding-DNA position 1990, C replaced by A.
Protein change: p.Leu664Ile; replaces leucine 664 with isoleucine.
Molecular consequence: missense variant. On other transcripts: non-coding transcript variant (1), intron variant (1).
Genome position (GRCh38, 1-based): chr7:5,986,775, G>T on the plus strand (C>A on the coding strand, the complement: PMS2 is on the minus strand). VCF-style: chr7-5986775-G-T. GRCh37 (hg19) VCF-style: chr7-6026406-G-T.
Other names: c.1585C>A, p.Leu529Ile (NM_001018040.1, NM_001322003.2, NM_001322004.2 and 17 more transcripts); c.1834C>A, p.Leu612Ile (NM_001322006.2, NM_001406870.1); c.1672C>A, p.Leu558Ile (NM_001322007.2, NM_001322008.2, NM_001406876.1 and 2 more transcripts); c.1429C>A, p.Leu477Ile (NM_001322010.2, NM_001406906.1, NM_001406907.1); c.1057C>A, p.Leu353Ile (NM_001322011.2, NM_001322012.2); c.1417C>A, p.Leu473Ile (NM_001322013.2, NM_001406909.1); c.1990C>A, p.Leu664Ile (NM_001322014.2, NM_001406871.1, NM_001406872.1); c.1681C>A, p.Leu561Ile (NM_001322015.2, NM_001406875.1, NM_001406877.1 and 5 more transcripts); and 13 more; short protein forms L353I, L509I, L598I, L477I, L493I, L664I, L529I, L552I.
Identifiers: ClinVar variation 2451611 (VCV002451611.2), dbSNP rs1782919030, ClinGen allele CA366738926.

ClinVar aggregate classification (germline): Uncertain significance (1 of 4 stars; one submission).

Conditions:
Hereditary cancer-predisposing syndrome. Also called: Neoplastic Syndromes, Hereditary; Tumor predisposition; Hereditary neoplastic syndrome; Hereditary Cancer Syndrome. Identifiers: Orphanet 140162, MedGen C0027672, MeSH D009386, MONDO:0015356.

Submission:

Ambry Genetics
Classification: Uncertain significance for Hereditary cancer-predisposing syndrome. Last evaluated: 2023-01-17. Review status: criteria provided, single submitter. Criteria: Ambry Variant Classification Scheme 2023. Collection method: clinical testing. Allele origin: germline.
Comment: The p.L664I variant (also known as c.1990C>A), located in coding exon 11 of the PMS2 gene, results from a C to A substitution at nucleotide position 1990. The leucine at codon 664 is replaced by isoleucine, an amino acid with highly similar properties. This amino acid position is conserved. In addition, this alteration is predicted to be tolerated by in silico analysis. Since supporting evidence is limited at this time, the clinical significance of this alteration remains unclear.